The following is an entry in ClinVar:

NC_000016.10:g.(?_23634852)_(23638139_?)del

Gene: PALB2 (partner and localizer of BRCA2; minus strand). Cytogenetic location: 16p12.2.
Variant type: Deletion.
Identifiers: ClinVar variation 642048 (VCV000642048.6).

ClinVar aggregate classification (germline): Pathogenic (1 of 4 stars; one submission).

Conditions:
Familial cancer of breast. Also called: hereditary breast carcinoma; BREAST CANCER, FAMILIAL; Hereditary breast cancer. Identifiers: Orphanet 227535, MedGen C0346153, MONDO:0016419, OMIM 114480. Disease mechanism: loss of function.

Submission:

Labcorp Genetics (formerly Invitae), Labcorp
Classification: Pathogenic for Familial cancer of breast. Last evaluated: 2023-01-25. Review status: criteria provided, single submitter. Criteria: Invitae Variant Classification Sherloc (09022015). Collection method: clinical testing. Allele origin: germline.
Comment: For these reasons, this variant has been classified as Pathogenic. This variant has not been reported in the literature in individuals affected with PALB2-related conditions. This variant is a gross deletion of the genomic region encompassing exon(s) 2-4 of the PALB2 gene. This deletion is out-of-frame, and is expected to create a premature termination codon and result in an absent or disrupted protein product. Loss-of-function variants in PALB2 are known to be pathogenic (PMID: 17200668, 17200671, 17200672, 24136930, 25099575).

Literature cited by the submitters: PubMed 17200668; PubMed 17200671; PubMed 17200672; PubMed 24136930; PubMed 25099575.